The following is an entry in ClinVar:

NM_001130987.2(DYSF):c.2425C>T (p.Pro809Ser)

Gene: DYSF (dysferlin; plus strand). Cytogenetic location: 2p13.2.
Variant type: single nucleotide variant.
Coding change: c.2425C>T on transcript NM_001130987.2 (MANE Select); coding-DNA position 2425, C replaced by T.
Protein change: p.Pro809Ser; replaces proline 809 with serine.
Molecular consequence: missense variant.
Genome position (GRCh38, 1-based): chr2:71,564,073, C>T. VCF-style: chr2-71564073-C-T. GRCh37 (hg19) VCF-style: chr2-71791203-C-T.
Other names: c.2374C>T, p.Pro792Ser (NM_001130455.2, NM_001130983.2); c.2329C>T, p.Pro777Ser (NM_001130976.2, NM_001130977.2); c.2371C>T, p.Pro791Ser (NM_001130978.2, NM_003494.4); c.2464C>T, p.Pro822Ser (NM_001130979.2); c.2422C>T, p.Pro808Ser (NM_001130980.2, NM_001130981.2); c.2467C>T, p.Pro823Ser (NM_001130982.2); c.2332C>T, p.Pro778Ser (NM_001130984.2, NM_001130986.2); c.2425C>T, p.Pro809Ser (NM_001130985.2); short protein forms P778S, P809S, P777S, P808S, P791S, P822S, P792S, P823S.
Identifiers: ClinVar variation 5003591 (VCV005003591.1).

ClinVar aggregate classification (germline): Uncertain significance (1 of 4 stars; one submission).

Conditions:
Autosomal recessive limb-girdle muscular dystrophy. Identifiers: Orphanet 102015, MedGen C2931907, MONDO:0015152.

Submission:

Myriad Genetics, Inc.
Classification: Uncertain significance for Autosomal recessive limb-girdle muscular dystrophy. Last evaluated: 2026-02-20. Review status: criteria provided, single submitter. Criteria: Myriad Autosomal Dominant, Autosomal Recessive and X-Linked Classification Criteria (2023). Collection method: clinical testing. Allele origin: unknown.
Comment: NM_003494.3(DYSF):c.2371C>T(P791S) is a missense variant classified as a variant of uncertain significance in the context of dysferlinopathy. P791S has not been observed in cases with relevant disease. Relevant functional assessments of this variant are not available in the literature. P791S has not been observed in referenced population frequency databases. In summary, there is insufficient evidence to classify NM_003494.3(DYSF):c.2371C>T(P791S) as pathogenic or benign. Please note: this variant was assessed in the context of healthy population screening.